The following is an entry in ClinVar:

ClinVar aggregate classification (germline): Uncertain significance (1 of 4 stars; one submission).

Conditions:
Hereditary cancer-predisposing syndrome. Also called: Hereditary Cancer Syndrome; Neoplastic Syndromes, Hereditary; Tumor predisposition; Hereditary neoplastic syndrome. Identifiers: Orphanet 140162, MedGen C0027672, MeSH D009386, MONDO:0015356.

Submission:

Ambry Genetics
Classification: Uncertain significance for Hereditary cancer-predisposing syndrome. Last evaluated: 2021-12-10. Review status: criteria provided, single submitter. Criteria: Ambry Variant Classification Scheme 2023. Collection method: clinical testing. Allele origin: germline.
Comment: The p.H180P variant (also known as c.539A>C), located in coding exon 3 of the KIT gene, results from an A to C substitution at nucleotide position 539. The histidine at codon 180 is replaced by proline, an amino acid with similar properties. This amino acid position is conserved. In addition, this alteration is predicted to be tolerated by in silico analysis. Since supporting evidence is limited at this time, the clinical significance of this alteration remains unclear.

NM_000222.3(KIT):c.539A>C (p.His180Pro)

Gene: KIT (KIT proto-oncogene, receptor tyrosine kinase; plus strand). Cytogenetic location: 4q12.
Variant type: single nucleotide variant.
Coding change: c.539A>C on transcript NM_000222.3 (MANE Select); coding-DNA position 539, A replaced by C.
Protein change: p.His180Pro; replaces histidine 180 with proline.
Molecular consequence: missense variant.
Genome position (GRCh38, 1-based): chr4:54,698,485, A>C. VCF-style: chr4-54698485-A-C. GRCh37 (hg19) VCF-style: chr4-55564651-A-C.
Other names: c.539A>C, p.His180Pro (NM_001093772.2, NM_001385284.1, NM_001385285.1 and 4 more transcripts); short protein forms H180P.
Identifiers: ClinVar variation 1747264 (VCV001747264.2), dbSNP rs2109674073, ClinGen allele CA356897809.